The following is an entry in ClinVar:

ClinVar aggregate classification (germline): Likely benign (0 of 4 stars; one submission).

Conditions:
GAS2L2-related disorder. Also called: GAS2L2-related condition.

Allele frequency attached by ClinVar (database versions not stated): TOPMed 0.00010; gnomAD 0.00021; gnomAD exomes 0.00040; ExAC 0.00075; 1000 Genomes Project 0.00080; 1000 Genomes Project 30x 0.00109.

Submission:

PreventionGenetics, part of Exact Sciences
Classification: Likely benign for GAS2L2-related condition. Last evaluated: 2023-06-14. Review status: no assertion criteria provided. Collection method: clinical testing. Allele origin: germline.
Comment: This variant is classified as likely benign based on ACMG/AMP sequence variant interpretation guidelines (Richards et al. 2015 PMID: 25741868, with internal and published modifications).

NM_139285.4(GAS2L2):c.2288G>A (p.Arg763Gln)

Gene: GAS2L2 (growth arrest specific 2 like 2; minus strand). Cytogenetic location: 17q12.
Variant type: single nucleotide variant.
Coding change: c.2288G>A on transcript NM_139285.4 (MANE Select); coding-DNA position 2288, G replaced by A.
Protein change: p.Arg763Gln; replaces arginine 763 with glutamine.
Molecular consequence: missense variant.
Genome position (GRCh38, 1-based): chr17:35,745,209, C>T on the plus strand (G>A on the coding strand, the complement: GAS2L2 is on the minus strand). VCF-style: chr17-35745209-C-T. GRCh37 (hg19) VCF-style: chr17-34072228-C-T.
Other names: short protein forms R763Q.
Identifiers: ClinVar variation 3041425 (VCV003041425.2), dbSNP rs587675032, ClinGen allele CA8505886.
Genomic context (GRCh38, chr17:35,745,209, plus strand): 5'-CGGGGCCGAATCCTGGGTCTCAGCTTCAGCTTGTAGATGGACGGGACCCTCTTGGGCTTC[C>T]GGAGAGTTCTCCTGCCCTTGCTCAGACATGCCTTGGCTTTGTCAGAGTTGGGGTCCAAGG-3'
Protein context (NP_644814.1, residues 753-773): ACLSKGRRTL[Arg763Gln]KPKRVPSIYK